The following is an entry in ClinVar:

NC_000010.10:g.(?_68507421)_(68526194_?)del

Gene: CTNNA3 (catenin alpha 3; minus strand). Cytogenetic location: 10q21.3.
Variant type: Deletion.
Identifiers: ClinVar variation 2425839 (VCV002425839.3).

ClinVar aggregate classification (germline): Uncertain significance (1 of 4 stars; one submission).

Conditions:
Arrhythmogenic right ventricular dysplasia 13. Also called: Arrhythmogenic right ventricular dysplasia, familial, 13; ARRHYTHMOGENIC RIGHT VENTRICULAR CARDIOMYOPATHY 13. Identifiers: MedGen C3810138, MONDO:0000908, OMIM 615616.

Submission:

Labcorp Genetics (formerly Invitae), Labcorp
Classification: Uncertain significance for Arrhythmogenic right ventricular dysplasia 13. Last evaluated: 2022-08-22. Review status: criteria provided, single submitter. Criteria: Invitae Variant Classification Sherloc (09022015). Collection method: clinical testing. Allele origin: germline.
Comment: This variant is a gross deletion of the genomic region encompassing exon(s) 9 of the CTNNA3 gene. This variant would be expected to be in-frame, preserving the integrity of the reading frame. This variant has not been reported in the literature in individuals affected with CTNNA3-related conditions. Experimental studies and prediction algorithms are not available or were not evaluated, and the functional significance of this variant is currently unknown. In summary, the available evidence is currently insufficient to determine the role of this variant in disease. Therefore, it has been classified as a Variant of Uncertain Significance.